The following is an entry in ClinVar:

NM_000702.4(ATP1A2):c.2446G>A (p.Ala816Thr)

Gene: ATP1A2 (ATPase Na+/K+ transporting subunit alpha 2; plus strand). Cytogenetic location: 1q23.2.
Variant type: single nucleotide variant.
Coding change: c.2446G>A on transcript NM_000702.4 (MANE Select); coding-DNA position 2446, G replaced by A.
Protein change: p.Ala816Thr; replaces alanine 816 with threonine.
Molecular consequence: missense variant.
Genome position (GRCh38, 1-based): chr1:160,136,253, G>A. VCF-style: chr1-160136253-G-A. GRCh37 (hg19) VCF-style: chr1-160106043-G-A.
Other names: short protein forms A816T.
Identifiers: ClinVar variation 5008476 (VCV005008476.1).

ClinVar aggregate classification (germline): Uncertain significance (1 of 4 stars; one submission).

Submission:

GeneDx
Classification: Uncertain significance. Last evaluated: 2026-03-03. Review status: criteria provided, single submitter. Criteria: GeneDx Variant Classification Process June 2021. Collection method: clinical testing. Allele origin: germline.
Comment: Not observed at significant frequency in large population cohorts (gnomAD); In silico analysis suggests that this missense variant does not alter protein structure/function; Has not been previously published as pathogenic or benign to our knowledge